The following is an entry in ClinVar:

NM_000535.7(PMS2):c.328G>A (p.Ala110Thr)

Gene: PMS2 (PMS1 homolog 2, mismatch repair system component; minus strand). Cytogenetic location: 7p22.1.
Variant type: single nucleotide variant.
Coding change: c.328G>A on transcript NM_000535.7 (MANE Select); coding-DNA position 328, G replaced by A.
Protein change: p.Ala110Thr; replaces alanine 110 with threonine.
Molecular consequence: missense variant. On other transcripts: 5 prime UTR variant (9), non-coding transcript variant (1), intron variant (2).
Genome position (GRCh38, 1-based): chr7:6,003,715, C>T on the plus strand (G>A on the coding strand, the complement: PMS2 is on the minus strand). VCF-style: chr7-6003715-C-T. GRCh37 (hg19) VCF-style: chr7-6043346-C-T.
Other names: c.-78G>A (NM_001322003.2, NM_001322004.2, NM_001322005.2 and 3 more transcripts); c.328G>A, p.Ala110Thr (NM_001322006.2, NM_001322014.2); c.-557G>A (NM_001322011.2, NM_001322012.2); c.-157G>A (NM_001322015.2); c.35+257G>A (NM_001322008.2, NM_001322007.2); short protein forms A110T.
Identifiers: ClinVar variation 572030 (VCV000572030.14), dbSNP rs767775907, ClinGen allele CA366744572.

ClinVar aggregate classification (germline): Uncertain significance. Review status: criteria provided, multiple submitters, no conflicts (2 of 4 stars). 2 submissions from 2 submitters: Uncertain significance (2). Last evaluated 2025-08-05.

Conditions:
Hereditary cancer-predisposing syndrome. Also called: Hereditary neoplastic syndrome; Tumor predisposition; Neoplastic Syndromes, Hereditary; Hereditary Cancer Syndrome. Identifiers: Orphanet 140162, MedGen C0027672, MeSH D009386, MONDO:0015356.
Hereditary nonpolyposis colorectal neoplasms. Identifiers: MedGen C0009405, MeSH D003123.

Allele frequency attached by ClinVar (database versions not stated): gnomAD 0.00001.

Submissions (2):

Ambry Genetics
Classification: Uncertain significance for Hereditary cancer-predisposing syndrome. Last evaluated: 2025-08-05. Review status: criteria provided, single submitter. Criteria: Ambry Variant Classification Scheme 2023. Collection method: clinical testing. Allele origin: germline.
Comment: The p.A110T variant (also known as c.328G>A), located in coding exon 4 of the PMS2 gene, results from a G to A substitution at nucleotide position 328. The alanine at codon 110 is replaced by threonine, an amino acid with similar properties. This amino acid position is highly conserved in available vertebrate species. In addition, this alteration is predicted to be deleterious by in silico analysis. Based on the available evidence, the clinical significance of this variant remains unclear.

Labcorp Genetics (formerly Invitae), Labcorp
Classification: Uncertain significance for Hereditary nonpolyposis colorectal neoplasms. Last evaluated: 2023-10-27. Review status: criteria provided, single submitter. Criteria: Invitae Variant Classification Sherloc (09022015). Collection method: clinical testing. Allele origin: germline.
Comment: This sequence change replaces alanine, which is neutral and non-polar, with threonine, which is neutral and polar, at codon 110 of the PMS2 protein (p.Ala110Thr). This variant is present in population databases (no rsID available, gnomAD 0.007%). This variant has not been reported in the literature in individuals affected with PMS2-related conditions. ClinVar contains an entry for this variant (Variation ID: 572030). Advanced modeling of protein sequence and biophysical properties (such as structural, functional, and spatial information, amino acid conservation, physicochemical variation, residue mobility, and thermodynamic stability) performed at Invitae indicates that this missense variant is expected to disrupt PMS2 protein function with a positive predictive value of 80%. In summary, the available evidence is currently insufficient to determine the role of this variant in disease. Therefore, it has been classified as a Variant of Uncertain Significance.